The following is an entry in ClinVar:

ClinVar aggregate classification (germline): Uncertain significance (1 of 4 stars; one submission).

Submission:

Labcorp Genetics (formerly Invitae), Labcorp
Classification: Uncertain significance. Last evaluated: 2022-02-24. Review status: criteria provided, single submitter. Criteria: Invitae Variant Classification Sherloc (09022015). Collection method: clinical testing. Allele origin: germline.
Comment: ClinVar contains an entry for this variant (Variation ID: 1043434). Algorithms developed to predict the effect of missense changes on protein structure and function are either unavailable or do not agree on the potential impact of this missense change (SIFT: "Deleterious"; PolyPhen-2: "Benign"; Align-GVGD: "Class C25"). In summary, the available evidence is currently insufficient to determine the role of this variant in disease. Therefore, it has been classified as a Variant of Uncertain Significance. This variant has not been reported in the literature in individuals affected with RP1-related conditions. This variant is not present in population databases (gnomAD no frequency). This sequence change replaces valine, which is neutral and non-polar, with leucine, which is neutral and non-polar, at codon 475 of the RP1 protein (p.Val475Leu).

NM_006269.2(RP1):c.1423G>C (p.Val475Leu)

Gene: RP1 (RP1 axonemal microtubule associated; plus strand). Cytogenetic location: 8q12.1.
Variant type: single nucleotide variant.
Coding change: c.1423G>C on transcript NM_006269.2 (MANE Select); coding-DNA position 1423, G replaced by C.
Protein change: p.Val475Leu; replaces valine 475 with leucine.
Molecular consequence: missense variant. On other transcripts: intron variant (1).
Genome position (GRCh38, 1-based): chr8:54,625,305, G>C. VCF-style: chr8-54625305-G-C. GRCh37 (hg19) VCF-style: chr8-55537865-G-C.
Other names: c.787+3017G>C (NM_001375654.1); short protein forms V475L.
Identifiers: ClinVar variation 1043434 (VCV001043434.8), dbSNP rs1806003464, ClinGen allele CA370990295.